The following is an entry in ClinVar:

NM_015335.5(MED13L):c.734T>G (p.Met245Arg)

Gene: MED13L (mediator complex subunit 13L; minus strand). Cytogenetic location: 12q24.21.
Variant type: single nucleotide variant.
Coding change: c.734T>G on transcript NM_015335.5 (MANE Select); coding-DNA position 734, T replaced by G.
Protein change: p.Met245Arg; replaces methionine 245 with arginine.
Molecular consequence: missense variant.
Genome position (GRCh38, 1-based): chr12:116,019,864, A>C on the plus strand (T>G on the coding strand, the complement: MED13L is on the minus strand). VCF-style: chr12-116019864-A-C. GRCh37 (hg19) VCF-style: chr12-116457669-A-C.
Other names: short protein forms M245R.
Identifiers: ClinVar variation 4742544 (VCV004742544.1).

ClinVar aggregate classification (germline): Uncertain significance (1 of 4 stars; one submission).

Conditions:
Dextro-looped transposition of the great arteries. Also called: Dextrotransposition of the great arteries. Identifiers: Orphanet 860, MedGen C3531771, MONDO:0019443, OMIM 608808, HP:0031348.

Submission:

Labcorp Genetics (formerly Invitae), Labcorp
Classification: Uncertain significance for Dextro-looped transposition of the great arteries. Last evaluated: 2025-04-17. Review status: criteria provided, single submitter. Criteria: Invitae Variant Classification Sherloc (09022015). Collection method: clinical testing. Allele origin: germline.
Comment: This sequence change replaces methionine, which is neutral and non-polar, with arginine, which is basic and polar, at codon 245 of the MED13L protein (p.Met245Arg). This variant is not present in population databases (gnomAD no frequency). This variant has not been reported in the literature in individuals affected with MED13L-related conditions. Invitae Evidence Modeling of protein sequence and biophysical properties (such as structural, functional, and spatial information, amino acid conservation, physicochemical variation, residue mobility, and thermodynamic stability) indicates that this missense variant is expected to disrupt MED13L protein function with a positive predictive value of 80%. In summary, the available evidence is currently insufficient to determine the role of this variant in disease. Therefore, it has been classified as a Variant of Uncertain Significance.